The following is an entry in ClinVar:

ClinVar aggregate classification (germline): Likely benign. Review status: criteria provided, multiple submitters, no conflicts (2 of 4 stars). 5 submissions from 5 submitters: Likely benign (4). 1 of the submissions does not count toward it. Last evaluated 2026-01-18.

Conditions:
SLC52A3-related disorder. Also called: SLC52A3-related condition.
Brown-Vialetto-van Laere syndrome 1. Also called: BROWN-VIALETTO-VAN LAERE SYNDROME 1, MILD; BULBAR PALSY, PROGRESSIVE, WITH SENSORINEURAL DEAFNESS; PONTOBULBAR PALSY WITH DEAFNESS. Identifiers: Orphanet 572550, Orphanet 97229, MedGen C0796274, MONDO:0024537, OMIM 211530.
Inborn genetic diseases. Identifiers: MedGen C0950123, MeSH D030342.

Allele frequency attached by ClinVar (database versions not stated): gnomAD 0.00062 and 0.00068; TOPMed 0.00079; ESP Exome Variant Server 0.00085; ExAC 0.00020.
gnomAD v4.1: 192 of 1,614,172 alleles (0.012%); highest among the groups gnomAD compares: African/African-American, 0.2%; no homozygotes.

Submissions (5):

Labcorp Genetics (formerly Invitae), Labcorp
Classification: Likely benign for Brown-Vialetto-van Laere syndrome 1. Last evaluated: 2026-01-18. Review status: criteria provided, single submitter. Criteria: Invitae Variant Classification Sherloc (09022015). Collection method: clinical testing. Allele origin: germline.

Mayo Clinic Laboratories, Mayo Clinic
Classification: Likely benign. Last evaluated: 2025-11-01. Review status: criteria provided, single submitter. Criteria: ACMG Guidelines, 2015. Collection method: clinical testing. Allele origin: germline. Observed: 1 variant allele.
Comment: BS1, BP4, BP7

Ambry Genetics
Classification: Likely benign for Inborn genetic diseases. Last evaluated: 2019-07-11. Review status: criteria provided, single submitter. Criteria: Ambry Variant Classification Scheme 2023. Collection method: clinical testing. Allele origin: germline.

Laboratory for Molecular Medicine, Mass General Brigham Personalized Medicine
Classification: Likely benign. Last evaluated: 2017-08-23. Review status: criteria provided, single submitter. Criteria: LMM Criteria. Collection method: clinical testing. Allele origin: germline. Observed: 2 variant alleles.
Comment: p.Thr182Thr in exon 2 of SLC52A3: This variant is not expected to have clinical significance because it does not alter an amino acid residue and is not located within the splice consensus sequence. It has been identified in 0.16% (17/10354) of African chromosomes by the Exome Aggregation Consortium (ExAC; dbSNP rs139965967).

PreventionGenetics, part of Exact Sciences
Classification: Likely benign for SLC52A3-related condition. Last evaluated: 2019-10-28. Review status: no assertion criteria provided. Collection method: clinical testing. Allele origin: germline. Not counted in ClinVar's aggregate classification.
Comment: This variant is classified as likely benign based on ACMG/AMP sequence variant interpretation guidelines (Richards et al. 2015 PMID: 25741868, with internal and published modifications).

NM_033409.4(SLC52A3):c.546G>A (p.Thr182=)

Gene: SLC52A3 (solute carrier family 52 member 3; minus strand). Cytogenetic location: 20p13.
Variant type: single nucleotide variant.
Coding change: c.546G>A on transcript NM_033409.4 (MANE Select); coding-DNA position 546, G replaced by A.
Protein change: p.Thr182=; no amino-acid change (threonine 182 retained).
Molecular consequence: synonymous variant.
Genome position (GRCh38, 1-based): chr20:765,229, C>T on the plus strand (G>A on the coding strand, the complement: SLC52A3 is on the minus strand). VCF-style: chr20-765229-C-T. GRCh37 (hg19) VCF-style: chr20-745873-C-T.
Other names: p.Thr182=; c.546G>A, p.Thr182= (NM_001370085.1, NM_001370086.1).
Identifiers: ClinVar variation 476613 (VCV000476613.20), dbSNP rs139965967, ClinGen allele CA9724755.